The following is an entry in ClinVar:

ClinVar aggregate classification (germline): Conflicting classifications of pathogenicity. Review status: criteria provided, conflicting classifications (1 of 4 stars). 2 submissions from 2 submitters: Likely pathogenic (1); Uncertain significance (1). Last evaluated 2025-02-01.

Conditions:
Hereditary breast ovarian cancer syndrome. Also called: Hereditary breast and/or ovarian cancer syndrome; BRCA1- and BRCA2-Associated Hereditary Breast and Ovarian Cancer; Hereditary breast and ovarian cancer syndrome; Hereditary breast and ovarian cancer; Hereditary breast and ovarian cancer syndrome (HBOC); Breast and ovarian cancer. Identifiers: Orphanet 145, MedGen C0677776, MeSH D061325, MONDO:0003582. Disease mechanism: loss of function.
Breast-ovarian cancer, familial, susceptibility to, 1 (BROVCA1). Also called: BRCA1 Hereditary Breast and Ovarian Cancer; OVARIAN CANCER, SUSCEPTIBILITY TO. Identifiers: Orphanet 145, MedGen C2676676, MONDO:0011450, OMIM 604370. Disease mechanism: loss of function.

Allele frequency attached by ClinVar (database versions not stated): gnomAD exomes below 0.00001.
gnomAD v4.1: 2 of 1,611,032 alleles (0.00012%); highest among the groups gnomAD compares: Non-Finnish European, 0.00017%; no homozygotes.

Submissions (3):

MVZ Praenatalmedizin und Genetik Nuernberg
Classification: Likely pathogenic for Breast-ovarian cancer, familial, susceptibility to, 1. Last evaluated: 2025-02-01. Review status: criteria provided, single submitter. Criteria: ACMG Guidelines, 2015. Collection method: clinical testing. Allele origin: inherited. Affected: no.

Labcorp Genetics (formerly Invitae), Labcorp
Classification: Uncertain significance for Hereditary breast ovarian cancer syndrome. Last evaluated: 2021-09-29. Review status: criteria provided, single submitter. Criteria: Invitae Variant Classification Sherloc (09022015). Collection method: clinical testing. Allele origin: germline.
Comment: In summary, the available evidence is currently insufficient to determine the role of this variant in disease. Therefore, it has been classified as a Variant of Uncertain Significance. Experimental studies have shown that this missense change affects BRCA1 function (PMID: 30209399). Advanced modeling of experimental studies (such as gene expression, population dynamics, functional pathways, and cell-cycle effects in cell culture) performed at Invitae indicates that this missense variant is expected to disrupt BRCA1 protein function. ClinVar contains an entry for this variant (Variation ID: 856169). This variant has not been reported in the literature in individuals affected with BRCA1-related conditions. This variant is not present in population databases (ExAC no frequency). This sequence change replaces isoleucine with threonine at codon 26 of the BRCA1 protein (p.Ile26Thr). The isoleucine residue is highly conserved and there is a moderate physicochemical difference between isoleucine and threonine.

Brotman Baty Institute, University of Washington
No classification provided (evidence only). Condition: Breast-ovarian cancer, familial 1. Review status: no classification provided. Collection method: in vitro. Allele origin: not applicable. Functional consequence: functionally_abnormal. Not counted in ClinVar's aggregate classification.
ClinVar note: "not provided" was previously submitted as the classification for the variant. However, the classification appeared to be based only on an observation of functional data so it was converted to no classification on 2025-07-30.

Literature cited by the submitters: PubMed 30209399 (cited by MVZ Praenatalmedizin und Genetik Nuernberg and Labcorp Genetics (formerly Invitae), Labcorp).

NM_007294.4(BRCA1):c.77T>C (p.Ile26Thr)

Gene: BRCA1 (BRCA1 DNA repair associated; minus strand). Cytogenetic location: 17q21.31.
Variant type: single nucleotide variant.
Coding change: c.77T>C on transcript NM_007294.4 (MANE Select); coding-DNA position 77, T replaced by C.
Protein change: p.Ile26Thr; replaces isoleucine 26 with threonine.
Molecular consequence: missense variant. On other transcripts: 5 prime UTR variant (1), non-coding transcript variant (1).
Genome position (GRCh38, 1-based): chr17:43,124,020, A>G on the plus strand (T>C on the coding strand, the complement: BRCA1 is on the minus strand). VCF-style: chr17-43124020-A-G. GRCh37 (hg19) VCF-style: chr17-41276037-A-G.
Other names: c.-112T>C (NM_001407571.1, NM_001407853.1, NM_001407879.1 and 46 more transcripts); c.77T>C, p.Ile26Thr (NM_001407581.1, NM_001407582.1, NM_001407583.1 and 193 more transcripts); c.-326T>C (NM_001407696.1); c.-210T>C (NM_001407697.1, NM_001407846.1, NM_001407920.1); c.-11T>C (NM_001407698.1, NM_001407732.1, NM_001407736.1 and 23 more transcripts); c.-181T>C (NM_001407724.1, NM_001407727.1, NM_001407731.1 and 11 more transcripts); c.-184T>C (NM_001407725.1, NM_001407730.1, NM_001407734.1 and 22 more transcripts); c.-130T>C (NM_001407726.1, NM_001407751.1); and 8 more; short protein forms I26T.
Identifiers: ClinVar variation 856169 (VCV000856169.12), dbSNP rs879255496, ClinGen allele CA10602004.
Genomic context (GRCh38, chr17:43,124,020, plus strand): 5'-TTTGCATAGGAGATAATCATAGGAATCCCAAATTAATACACTCTTGTGCTGACTTACCAG[A>G]TGGGACACTCTAAGATTTTCTGCATAGCATTAATGACATTTTGTACTTCTTCAACGCGAA-3'
Protein context (NP_009225.1, residues 16-36): NAMQKILECP[Ile26Thr]CLELIKEPVS